The following is an entry in ClinVar:

ClinVar aggregate classification (germline): Benign (1 of 4 stars; one submission).

Conditions:
Familial cancer of breast. Also called: hereditary breast carcinoma; BREAST CANCER, FAMILIAL; Hereditary breast cancer. Identifiers: Orphanet 227535, MedGen C0346153, MONDO:0016419, OMIM 114480. Disease mechanism: loss of function.

Submission:

Myriad Genetics, Inc.
Classification: Benign for Familial cancer of breast. Last evaluated: 2024-06-07. Review status: criteria provided, single submitter. Criteria: Myriad Autosomal Dominant, Autosomal Recessive and X-Linked Classification Criteria (2023). Collection method: clinical testing. Allele origin: unknown.
Comment: This variant is considered benign. This variant is a silent/synonymous amino acid change and it is not expected to impact splicing.

NM_000051.4(ATM):c.6651T>C (p.Phe2217=)

Genes: ATM (ATM serine/threonine kinase; plus strand), C11orf65 (chromosome 11 open reading frame 65; minus strand). Cytogenetic location: 11q22.3.
Variant type: single nucleotide variant.
Coding change: c.6651T>C on transcript NM_000051.4 (MANE Select); coding-DNA position 6651, T replaced by C.
Protein change: p.Phe2217=; no amino-acid change (phenylalanine 2217 retained).
Molecular consequence: synonymous variant. On other transcripts: intron variant (2).
Genome position (GRCh38, 1-based): chr11:108,325,388, T>C. VCF-style: chr11-108325388-T-C. GRCh37 (hg19) VCF-style: chr11-108196115-T-C.
Other names: c.6651T>C, p.Phe2217= (NM_001351834.2); c.641-16317A>G (NM_001330368.2); c.*38+9832A>G (NM_001351110.2).
Identifiers: ClinVar variation 3254125 (VCV003254125.1), dbSNP rs2136310688.